The following is an entry in ClinVar:

ClinVar aggregate classification (germline): Uncertain significance. Review status: criteria provided, multiple submitters, no conflicts (2 of 4 stars). 2 submissions from 2 submitters: Uncertain significance (2). Last evaluated 2025-07-17.

Conditions:
Inborn genetic diseases. Identifiers: MedGen C0950123, MeSH D030342.
Baller-Gerold syndrome (BGS). Also called: CRANIOSYNOSTOSIS WITH RADIAL DEFECTS. Identifiers: Orphanet 1225, MedGen C0265308, MONDO:0009039, OMIM 218600.

gnomAD v4.1: 9 of 1,573,648 alleles (0.00057%); highest among the groups gnomAD compares: Non-Finnish European, 0.00077%; no homozygotes.

Submissions (2):

Labcorp Genetics (formerly Invitae), Labcorp
Classification: Uncertain significance for Baller-Gerold syndrome. Last evaluated: 2025-07-17. Review status: criteria provided, single submitter. Criteria: Invitae Variant Classification Sherloc (09022015). Collection method: clinical testing. Allele origin: germline.
Comment: This sequence change replaces alanine, which is neutral and non-polar, with aspartic acid, which is acidic and polar, at codon 69 of the RECQL4 protein (p.Ala69Asp). This variant is present in population databases (no rsID available, gnomAD 0.001%). This variant has not been reported in the literature in individuals affected with RECQL4-related conditions. ClinVar contains an entry for this variant (Variation ID: 935273). Experimental studies and prediction algorithms are not available or were not evaluated, and the functional significance of this variant is currently unknown. In summary, the available evidence is currently insufficient to determine the role of this variant in disease. Therefore, it has been classified as a Variant of Uncertain Significance.

Ambry Genetics
Classification: Uncertain significance for Inborn genetic diseases. Last evaluated: 2024-11-20. Review status: criteria provided, single submitter. Criteria: Ambry Variant Classification Scheme 2023. Collection method: clinical testing. Allele origin: germline.
Comment: The p.A69D variant (also known as c.206C>A), located in coding exon 3 of the RECQL4 gene, results from a C to A substitution at nucleotide position 206. The alanine at codon 69 is replaced by aspartic acid, an amino acid with dissimilar properties. This amino acid position is conserved. In addition, this alteration is predicted to be tolerated by in silico analysis. Based on the available evidence, the clinical significance of this variant remains unclear.

NM_004260.4(RECQL4):c.206C>A (p.Ala69Asp)

Gene: RECQL4 (RecQ like helicase 4; minus strand). Cytogenetic location: 8q24.3.
Variant type: single nucleotide variant.
Coding change: c.206C>A on transcript NM_004260.4 (MANE Select); coding-DNA position 206, C replaced by A.
Protein change: p.Ala69Asp; replaces alanine 69 with aspartic acid.
Molecular consequence: missense variant.
Genome position (GRCh38, 1-based): chr8:144,517,421, G>T on the plus strand (C>A on the coding strand, the complement: RECQL4 is on the minus strand). VCF-style: chr8-144517421-G-T. GRCh37 (hg19) VCF-style: chr8-145742805-G-T.
Other names: short protein forms A69D.
Identifiers: ClinVar variation 935273 (VCV000935273.6), dbSNP rs768035751, ClinGen allele CA372692492.